The following is an entry in ClinVar:

ClinVar aggregate classification (germline): Uncertain significance (1 of 4 stars; one submission).

Submission:

Labcorp Genetics (formerly Invitae), Labcorp
Classification: Uncertain significance. Last evaluated: 2021-05-10. Review status: criteria provided, single submitter. Criteria: Invitae Variant Classification Sherloc (09022015). Collection method: clinical testing. Allele origin: germline.
Comment: This sequence change replaces glycine with cysteine at codon 151 of the CFAP410 protein (p.Gly151Cys). The glycine residue is weakly conserved and there is a large physicochemical difference between glycine and cysteine. This variant is not present in population databases (ExAC no frequency). This variant has not been reported in the literature in individuals with CFAP410-related conditions. Algorithms developed to predict the effect of missense changes on protein structure and function are either unavailable or do not agree on the potential impact of this missense change (SIFT: "Deleterious"; PolyPhen-2: "Possibly Damaging"; Align-GVGD: "Class C15"). In summary, the available evidence is currently insufficient to determine the role of this variant in disease. Therefore, it has been classified as a Variant of Uncertain Significance.

NM_004928.3(CFAP410):c.451G>T (p.Gly151Cys)

Gene: CFAP410 (cilia and flagella associated protein 410; minus strand). Cytogenetic location: 21q22.3.
Variant type: single nucleotide variant.
Coding change: c.451G>T on transcript NM_004928.3 (MANE Select); coding-DNA position 451, G replaced by T.
Protein change: p.Gly151Cys; replaces glycine 151 with cysteine.
Molecular consequence: missense variant.
Genome position (GRCh38, 1-based): chr21:44,331,937, C>A on the plus strand (G>T on the coding strand, the complement: CFAP410 is on the minus strand). VCF-style: chr21-44331937-C-A. GRCh37 (hg19) VCF-style: chr21-45751820-C-A.
Other names: c.451G>T, p.Gly151Cys (NM_001271440.2, NM_001271441.2); c.328G>T, p.Gly110Cys (NM_001271442.1); short protein forms G110C, G151C.
Identifiers: ClinVar variation 1506166 (VCV001506166.8), dbSNP rs1602076344, ClinGen allele CA410454131.